The following is an entry in ClinVar:

NM_001128840.3(CACNA1D):c.2891G>T (p.Gly964Val)

Gene: CACNA1D (calcium voltage-gated channel subunit alpha1 D; plus strand). Cytogenetic location: 3p21.1.
Variant type: single nucleotide variant.
Coding change: c.2891G>T on transcript NM_001128840.3 (MANE Select); coding-DNA position 2891, G replaced by T.
Protein change: p.Gly964Val; replaces glycine 964 with valine.
Molecular consequence: missense variant.
Genome position (GRCh38, 1-based): chr3:53,743,090, G>T. VCF-style: chr3-53743090-G-T. GRCh37 (hg19) VCF-style: chr3-53777117-G-T.
Other names: c.2951G>T, p.Gly984Val (NM_000720.4); c.2891G>T, p.Gly964Val (NM_001128839.3); short protein forms G984V, G964V.
Identifiers: ClinVar variation 2011615 (VCV002011615.4), dbSNP rs2095133118, ClinGen allele CA353245295.
Genomic context (GRCh38, chr3:53,743,090, plus strand): 5'-TCCTCCACAAAGGGGCCTTCTGCAGGAACTACTTCAATTTGCTGGATATGCTGGTGGTTG[G>T]GGTGTCTCTGGTGTCATTTGGGATTCAGTAAGTATTCTGGGGTGTGTGCCCAGAATTGTT-3'
Protein context (NP_001122312.1, residues 954-974): YFNLLDMLVV[Gly964Val]VSLVSFGIQS

ClinVar aggregate classification (germline): Uncertain significance (1 of 4 stars; one submission).

Allele frequency attached by ClinVar (database versions not stated): gnomAD exomes below 0.00001.
gnomAD v4.1: 3 of 1,613,384 alleles (0.00019%); highest among the groups gnomAD compares: Non-Finnish European, 0.00017%; no homozygotes.

Submission:

Labcorp Genetics (formerly Invitae), Labcorp
Classification: Uncertain significance. Last evaluated: 2022-06-27. Review status: criteria provided, single submitter. Criteria: Invitae Variant Classification Sherloc (09022015). Collection method: clinical testing. Allele origin: germline.
Comment: This variant has not been reported in the literature in individuals affected with CACNA1D-related conditions. This variant is not present in population databases (gnomAD no frequency). This sequence change replaces glycine, which is neutral and non-polar, with valine, which is neutral and non-polar, at codon 984 of the CACNA1D protein (p.Gly984Val). Algorithms developed to predict the effect of missense changes on protein structure and function are either unavailable or do not agree on the potential impact of this missense change (SIFT: "Deleterious"; PolyPhen-2: "Probably Damaging"; Align-GVGD: "Class C15"). In summary, the available evidence is currently insufficient to determine the role of this variant in disease. Therefore, it has been classified as a Variant of Uncertain Significance.